The following is an entry in ClinVar:

NM_005144.5(HR):c.435C>A (p.Phe145Leu)

Gene: HR (HR lysine demethylase and nuclear receptor corepressor; minus strand). Cytogenetic location: 8p21.3.
Variant type: single nucleotide variant.
Coding change: c.435C>A on transcript NM_005144.5 (MANE Select); coding-DNA position 435, C replaced by A.
Protein change: p.Phe145Leu; replaces phenylalanine 145 with leucine.
Molecular consequence: missense variant.
Genome position (GRCh38, 1-based): chr8:22,128,736, G>T on the plus strand (C>A on the coding strand, the complement: HR is on the minus strand). VCF-style: chr8-22128736-G-T. GRCh37 (hg19) VCF-style: chr8-21986249-G-T.
Other names: c.435C>A, p.Phe145Leu (NM_018411.4); short protein forms F145L.
Identifiers: ClinVar variation 2105586 (VCV002105586.4), dbSNP rs2538889894, ClinGen allele CA370505809.

ClinVar aggregate classification (germline): Uncertain significance (1 of 4 stars; one submission).

Submission:

Labcorp Genetics (formerly Invitae), Labcorp
Classification: Uncertain significance. Last evaluated: 2022-03-02. Review status: criteria provided, single submitter. Criteria: Invitae Variant Classification Sherloc (09022015). Collection method: clinical testing. Allele origin: germline.
Comment: Algorithms developed to predict the effect of missense changes on protein structure and function are either unavailable or do not agree on the potential impact of this missense change (SIFT: "Deleterious"; PolyPhen-2: "Probably Damaging"; Align-GVGD: "Class C0"). This sequence change replaces phenylalanine, which is neutral and non-polar, with leucine, which is neutral and non-polar, at codon 145 of the HR protein (p.Phe145Leu). This variant is not present in population databases (gnomAD no frequency). This variant has not been reported in the literature in individuals affected with HR-related conditions. In summary, the available evidence is currently insufficient to determine the role of this variant in disease. Therefore, it has been classified as a Variant of Uncertain Significance.